The following is an entry in ClinVar:

NM_000291.4(PGK1):c.604G>C (p.Glu202Gln)

Gene: PGK1 (phosphoglycerate kinase 1; plus strand). Cytogenetic location: Xq21.1.
Variant type: single nucleotide variant.
Coding change: c.604G>C on transcript NM_000291.4 (MANE Select); coding-DNA position 604, G replaced by C.
Protein change: p.Glu202Gln; replaces glutamic acid 202 with glutamine.
Molecular consequence: missense variant.
Genome position (GRCh38, 1-based): chrX:78,118,133, G>C. VCF-style: chrX-78118133-G-C. GRCh37 (hg19) VCF-style: chrX-77373630-G-C.
Other names: short protein forms E202Q.
Identifiers: ClinVar variation 3899658 (VCV003899658.1).
Genomic context (GRCh38, chrX:78,118,133, plus strand): 5'-CCACAGAAGGCTGGTGGGTTTTTGATGAAGAAGGAGCTGAACTACTTTGCAAAGGCCTTG[G>C]AGAGCCCAGAGCGACCCTTCCTGGCCATCCTGGGCGGGTATGAAGAACTCTTTAAGATCA-3'
Protein context (NP_000282.1, residues 192-212): KELNYFAKAL[Glu202Gln]SPERPFLAIL

ClinVar aggregate classification (germline): Uncertain significance (1 of 4 stars; one submission).

Submission:

GeneDx
Classification: Uncertain significance. Last evaluated: 2024-11-14. Review status: criteria provided, single submitter. Criteria: GeneDx Variant Classification Process June 2021. Collection method: clinical testing. Allele origin: germline. Affected: yes.
Comment: Not observed at significant frequency in large population cohorts (gnomAD); In silico analysis indicates that this missense variant does not alter protein structure/function; Has not been previously published as pathogenic or benign to our knowledge